The following is an entry in ClinVar:

ClinVar aggregate classification (germline): Uncertain significance (1 of 4 stars; one submission).

Submission:

Labcorp Genetics (formerly Invitae), Labcorp
Classification: Uncertain significance. Last evaluated: 2022-10-23. Review status: criteria provided, single submitter. Criteria: Invitae Variant Classification Sherloc (09022015). Collection method: clinical testing. Allele origin: germline.
Comment: In summary, the available evidence is currently insufficient to determine the role of this variant in disease. Therefore, it has been classified as a Variant of Uncertain Significance. Advanced modeling of protein sequence and biophysical properties (such as structural, functional, and spatial information, amino acid conservation, physicochemical variation, residue mobility, and thermodynamic stability) performed at Invitae indicates that this missense variant is not expected to disrupt NALCN protein function. This variant has not been reported in the literature in individuals affected with NALCN-related conditions. This variant is not present in population databases (gnomAD no frequency). This sequence change replaces methionine, which is neutral and non-polar, with valine, which is neutral and non-polar, at codon 1476 of the NALCN protein (p.Met1476Val).

NM_052867.4(NALCN):c.4426A>G (p.Met1476Val)

Gene: NALCN (sodium leak channel, non-selective; minus strand). Cytogenetic location: 13q32.3.
Variant type: single nucleotide variant.
Coding change: c.4426A>G on transcript NM_052867.4 (MANE Select); coding-DNA position 4426, A replaced by G.
Protein change: p.Met1476Val; replaces methionine 1476 with valine.
Molecular consequence: missense variant.
Genome position (GRCh38, 1-based): chr13:101,067,938, T>C on the plus strand (A>G on the coding strand, the complement: NALCN is on the minus strand). VCF-style: chr13-101067938-T-C. GRCh37 (hg19) VCF-style: chr13-101720290-T-C.
Other names: c.4513A>G, p.Met1505Val (NM_001350748.2); c.4426A>G, p.Met1476Val (NM_001350749.2); c.4339A>G, p.Met1447Val (NM_001350750.2, NM_001350751.2); short protein forms M1447V, M1476V, M1505V.
Identifiers: ClinVar variation 1722096 (VCV001722096.5), dbSNP rs2501859284, ClinGen allele CA388646342.